The following is an entry in ClinVar:

NM_001903.5(CTNNA1):c.2351C>T (p.Ala784Val)

Gene: CTNNA1 (catenin alpha 1; plus strand). Cytogenetic location: 5q31.2.
Variant type: single nucleotide variant.
Coding change: c.2351C>T on transcript NM_001903.5 (MANE Select); coding-DNA position 2351, C replaced by T.
Protein change: p.Ala784Val; replaces alanine 784 with valine.
Molecular consequence: missense variant. On other transcripts: intron variant (1).
Genome position (GRCh38, 1-based): chr5:138,932,630, C>T. VCF-style: chr5-138932630-C-T. GRCh37 (hg19) VCF-style: chr5-138268319-C-T.
Other names: c.1241C>T, p.Ala414Val (NM_001323997.1, NM_001323998.1, NM_001323999.1 and 16 more transcripts); c.902C>T, p.Ala301Val (NM_001324006.1, NM_001324007.1, NM_001324008.1 and 2 more transcripts); c.1148C>T, p.Ala383Val (NM_001324011.1); c.998C>T, p.Ala333Val (NM_001324012.1, NM_001324013.1); c.1189-1172C>T (NM_001324001.1); c.2351C>T, p.Ala784Val (NM_001290307.3, NM_001323982.2, NM_001323983.1 and 2 more transcripts); c.2042C>T, p.Ala681Val (NM_001290309.3); c.1982C>T, p.Ala661Val (NM_001290310.3); and 1 more; short protein forms A383V, A784V, A333V, A301V, A681V, A753V, A414V, A661V.
Identifiers: ClinVar variation 4007999 (VCV004007999.1).

ClinVar aggregate classification (germline): Uncertain significance (1 of 4 stars; one submission).

Conditions:
Hereditary cancer-predisposing syndrome. Also called: Tumor predisposition; Hereditary neoplastic syndrome; Neoplastic Syndromes, Hereditary; Hereditary Cancer Syndrome. Identifiers: Orphanet 140162, MedGen C0027672, MeSH D009386, MONDO:0015356.

Submission:

Ambry Genetics
Classification: Uncertain significance for Hereditary cancer-predisposing syndrome. Last evaluated: 2025-06-01. Review status: criteria provided, single submitter. Criteria: Ambry Variant Classification Scheme 2023. Collection method: clinical testing. Allele origin: germline.
Comment: The p.A784V variant (also known as c.2351C>T), located in coding exon 16 of the CTNNA1 gene, results from a C to T substitution at nucleotide position 2351. The alanine at codon 784 is replaced by valine, an amino acid with similar properties. This amino acid position is conserved. In addition, this alteration is predicted to be tolerated by in silico analysis. Based on the available evidence, the clinical significance of this variant remains unclear.